The following is an entry in ClinVar:

NM_001035.3(RYR2):c.678G>A (p.Gly226=)

Gene: RYR2 (ryanodine receptor 2; plus strand). Cytogenetic location: 1q43.
Variant type: single nucleotide variant.
Coding change: c.678G>A on transcript NM_001035.3 (MANE Select); coding-DNA position 678, G replaced by A.
Protein change: p.Gly226=; no amino-acid change (glycine 226 retained).
Molecular consequence: synonymous variant.
Genome position (GRCh38, 1-based): chr1:237,388,088, G>A. VCF-style: chr1-237388088-G-A. GRCh37 (hg19) VCF-style: chr1-237551388-G-A.
Identifiers: ClinVar variation 3385656 (VCV003385656.1).

ClinVar aggregate classification (germline): Likely benign (1 of 4 stars; one submission).

Conditions:
Catecholaminergic polymorphic ventricular tachycardia (CVPT). Also called: Catecholamine-induced polymorphic ventricular tachycardia. Identifiers: Orphanet 3286, MedGen C5574922, MONDO:0017990.

gnomAD v4.1: 3 of 1,613,342 alleles (0.00019%); highest among the groups gnomAD compares: South Asian, 0.0011%; no homozygotes.

Submission:

All of Us Research Program, National Institutes of Health
Classification: Likely benign for Catecholaminergic polymorphic ventricular tachycardia. Last evaluated: 2024-07-10. Review status: criteria provided, single submitter. Criteria: ACMG Guidelines, 2015. Collection method: clinical testing. Allele origin: germline. Inheritance: Autosomal dominant inheritance. Observed: 1 variant allele, 1 heterozygote.
Comment: This study involves interpretation of variants in research participants for the purpose of population health screening. Participant phenotype was not available at the time of variant classification. Additional details can be found in publication PMID: 35346344, PMCID: PMC8962531